The following is an entry in ClinVar:

NM_000053.4(ATP7B):c.4174A>T (p.Met1392Leu)

Gene: ATP7B (ATPase copper transporting beta; minus strand). Cytogenetic location: 13q14.3.
Variant type: single nucleotide variant.
Coding change: c.4174A>T on transcript NM_000053.4 (MANE Select); coding-DNA position 4174, A replaced by T.
Protein change: p.Met1392Leu; replaces methionine 1392 with leucine.
Molecular consequence: missense variant.
Genome position (GRCh38, 1-based): chr13:51,934,980, T>A on the plus strand (A>T on the coding strand, the complement: ATP7B is on the minus strand). VCF-style: chr13-51934980-T-A. GRCh37 (hg19) VCF-style: chr13-52509116-T-A.
Other names: c.3553A>T, p.Met1185Leu (NM_001005918.3); c.3841A>T, p.Met1281Leu (NM_001243182.2); c.3940A>T, p.Met1314Leu (NM_001330578.2, NM_001406527.1, NM_001406528.1); c.3922A>T, p.Met1308Leu (NM_001330579.2, NM_001406531.1, NM_001406532.1); c.4174A>T, p.Met1392Leu (NM_001406511.1, NM_001406512.1); c.4168A>T, p.Met1390Leu (NM_001406513.1); c.4141A>T, p.Met1381Leu (NM_001406514.1); c.4120A>T, p.Met1374Leu (NM_001406515.1, NM_001406516.1); and 21 more; short protein forms M1230L, M1344L, M1347L, M1374L, M1266L, M1279L, M1282L, M1331L.
Identifiers: ClinVar variation 2145336 (VCV002145336.4), dbSNP rs777585988, ClinGen allele CA388019684.

ClinVar aggregate classification (germline): Uncertain significance (1 of 4 stars; one submission).

Conditions:
Wilson disease (WND). Also called: Wilson's disease. Identifiers: Orphanet 905, MedGen C0019202, MONDO:0010200, OMIM 277900. Disease mechanism: loss of function.

Allele frequency attached by ClinVar (database versions not stated): gnomAD 0.00001.

Submission:

Labcorp Genetics (formerly Invitae), Labcorp
Classification: Uncertain significance for Wilson disease. Last evaluated: 2022-04-22. Review status: criteria provided, single submitter. Criteria: Invitae Variant Classification Sherloc (09022015). Collection method: clinical testing. Allele origin: germline.
Comment: This variant has not been reported in the literature in individuals affected with ATP7B-related conditions. In summary, the available evidence is currently insufficient to determine the role of this variant in disease. Therefore, it has been classified as a Variant of Uncertain Significance. Advanced modeling of protein sequence and biophysical properties (such as structural, functional, and spatial information, amino acid conservation, physicochemical variation, residue mobility, and thermodynamic stability) performed at Invitae indicates that this missense variant is not expected to disrupt ATP7B protein function. This variant is not present in population databases (gnomAD no frequency). This sequence change replaces methionine, which is neutral and non-polar, with leucine, which is neutral and non-polar, at codon 1392 of the ATP7B protein (p.Met1392Leu).